The following is an entry in ClinVar:

ClinVar aggregate classification (germline): Uncertain significance (1 of 4 stars; one submission).

gnomAD v4.1: 1 of 1,603,402 alleles (0.000062%); highest among the groups gnomAD compares: East Asian, 0.0022%; no homozygotes.

Submission:

Ambry Genetics
Classification: Uncertain significance. Last evaluated: 2024-12-07. Review status: criteria provided, single submitter. Criteria: Ambry Variant Classification Scheme 2023. Collection method: clinical testing. Allele origin: germline.
Comment: The p.S96P variant (also known as c.286T>C), located in coding exon 4 of the RINT1 gene, results from a T to C substitution at nucleotide position 286. The serine at codon 96 is replaced by proline, an amino acid with similar properties. This amino acid position is conserved. In addition, this alteration is predicted to be tolerated by in silico analysis. Based on the available evidence, the clinical significance of this variant remains unclear.

NM_021930.6(RINT1):c.286T>C (p.Ser96Pro)

Gene: RINT1 (RAD50 interactor 1; plus strand). Cytogenetic location: 7q22.3.
Variant type: single nucleotide variant.
Coding change: c.286T>C on transcript NM_021930.6 (MANE Select); coding-DNA position 286, T replaced by C.
Protein change: p.Ser96Pro; replaces serine 96 with proline.
Molecular consequence: missense variant. On other transcripts: 5 prime UTR variant (3), non-coding transcript variant (1).
Genome position (GRCh38, 1-based): chr7:105,542,420, T>C. VCF-style: chr7-105542420-T-C. GRCh37 (hg19) VCF-style: chr7-105182867-T-C.
Other names: c.52T>C, p.Ser18Pro (NM_001346599.2); c.-734T>C (NM_001346600.2); c.-637T>C (NM_001346601.2); c.-257T>C (NM_001346603.2); short protein forms S18P, S96P.
Identifiers: ClinVar variation 3433674 (VCV003433674.1).